The following is an entry in ClinVar:

NM_000388.4(CASR):c.2489G>A (p.Gly830Asp)

Gene: CASR (calcium sensing receptor; plus strand). Cytogenetic location: 3q21.1.
Variant type: single nucleotide variant.
Coding change: c.2489G>A on transcript NM_000388.4 (MANE Select); coding-DNA position 2489, G replaced by A.
Protein change: p.Gly830Asp; replaces glycine 830 with aspartic acid.
Molecular consequence: missense variant.
Genome position (GRCh38, 1-based): chr3:122,284,443, G>A. VCF-style: chr3-122284443-G-A. GRCh37 (hg19) VCF-style: chr3-122003290-G-A.
Other names: c.2519G>A, p.Gly840Asp (NM_001178065.2); short protein forms G830D, G840D.
Identifiers: ClinVar variation 35792 (VCV000035792.6), dbSNP rs193922436, ClinGen allele CA213588.

ClinVar aggregate classification (germline): Conflicting classifications of pathogenicity. Review status: criteria provided, conflicting classifications (1 of 4 stars). 2 submissions from 2 submitters: Likely pathogenic (1); Uncertain significance (1). Last evaluated 2023-09-22.

Submissions (2):

Women's Health and Genetics/Laboratory Corporation of America, LabCorp
Classification: Uncertain significance. Last evaluated: 2023-09-22. Review status: criteria provided, single submitter. Criteria: LabCorp Variant Classification Summary - May 2015. Collection method: clinical testing. Allele origin: germline.
Comment: Variant summary: CASR c.2489G>A (p.Gly830Asp) results in a non-conservative amino acid change located in the GPCR family 3, C-terminal domain (IPR017978) of the encoded protein sequence. Five of five in-silico tools predict a damaging effect of the variant on protein function. The variant was absent in 251008 control chromosomes (gnomAD). These data indicate that the variant may be associated with disease. To our knowledge, no experimental evidence demonstrating an impact on protein function has been reported. The following publication has been ascertained in the context of this evaluation (PMID: No Pubmed ID for Changcharoen_CASR_AACE Case report_2016 ). One submitter has cited clinical-significance assessments for this variant to ClinVar after 2014 and has classified the variant as likely pathogenic. Based on the evidence outlined above, the variant was classified as VUS-possibly pathogenic.

Genetic Services Laboratory, University of Chicago
Classification: Likely pathogenic. Last evaluated: 2020-03-19. Review status: criteria provided, single submitter. Criteria: ACMG Guidelines, 2015. Collection method: clinical testing. Allele origin: germline. Affected: yes.
Comment: DNA sequence analysis of the CASR gene demonstrated a sequence change, c.2489G>A, in exon 7 that results in an amino acid change, p.Gly830Asp. The p.Gly830Asp change affects a highly conserved amino acid residue located in a transmembrane domain of the CASR protein that is known to be functional (PMID: 21645025). The p.Gly830Asp substitution appears to be deleterious using several in-silico pathogenicity prediction tools (SIFT, PolyPhen2, Align GVGD, REVEL). This particular amino acid change does not appear to have been described in the literature in other patients with CASR related disorders, however, a different sequence change affecting the same amino acid residue (p.Gly830Ser) has been described in patients with autosomal dominant hypoparathyroidism (ADH) (PMIDs: 21645025, 20668040, 20668040). This sequence change is absent from the large population databases like ExAC and gnomAD (dbSNP rs193922436). These collective evidences indicate that this sequence change is likely pathogenic; however functional studies have not been performed to prove this conclusively.